The following is an entry in ClinVar:

NM_018406.7(MUC4):c.11952_11999del (p.Asp3989_Thr4004del)

Gene: MUC4 (mucin 4, cell surface associated). Cytogenetic location: 3q29.
Variant type: Indel.
Coding change: c.11952_11999del on transcript NM_018406.7 (MANE Select); coding-DNA positions 11952 to 11999, 48 bases deleted.
Protein change: p.Asp3989_Thr4004del.
Molecular consequence: inframe deletion. On other transcripts: genic upstream transcript variant (2).
Genome position: GRCh38: chr3:195,779,602-195,779,649. GRCh37 (hg19): chr3:195,506,473-195,506,520.
Other names: c.17251_17298del, p.Leu5751_Pro5766del (NM_001322468.1); c.83-5323_83-5276del (NM_138297.5); c.83-1173_83-1126del (NM_004532.6).
Identifiers: ClinVar variation 2654393 (VCV002654393.24), dbSNP rs781443037, ClinGen allele CA2769105.
Genomic context (GRCh38, chr3:195,779,580, plus strand): 5'-GGTGACAGGAAGAGGGGTGGCGTGACCTGTAGATACTGAGGAAGTGCTGGTGACAGGAAG[AGGGGTGGCGTGACCTGTGGATACTGAGGAAGTGTCGGTGACAGGAAGG>A]GGGGTGGCGTGACCTGTGGATGCTGAGGAACGGCTGGTGACAGGAAGAGAGGTGGCGTGA-3'

ClinVar aggregate classification (germline): Likely benign (1 of 4 stars; one submission).

Submission:

CeGaT Center for Human Genetics Tuebingen
Classification: Likely benign. Last evaluated: 2023-01-01. Review status: criteria provided, single submitter. Criteria: CeGaT Center For Human Genetics Tuebingen Variant Classification Criteria Version 2. Collection method: clinical testing. Allele origin: germline. Affected: yes. Observed: 1 variant allele.
Comment: MUC4: BS2